The following is an entry in ClinVar:

NM_198578.4(LRRK2):c.2792G>A (p.Arg931Lys)

Gene: LRRK2 (leucine rich repeat kinase 2; plus strand). Cytogenetic location: 12q12.
Variant type: single nucleotide variant.
Coding change: c.2792G>A on transcript NM_198578.4 (MANE Select); coding-DNA position 2792, G replaced by A.
Protein change: p.Arg931Lys; replaces arginine 931 with lysine.
Molecular consequence: missense variant.
Genome position (GRCh38, 1-based): chr12:40,293,647, G>A. VCF-style: chr12-40293647-G-A. GRCh37 (hg19) VCF-style: chr12-40687449-G-A.
Other names: short protein forms R931K.
Identifiers: ClinVar variation 1796066 (VCV001796066.2), dbSNP rs766906033, ClinGen allele CA6513736.

ClinVar aggregate classification (germline): Uncertain significance (1 of 4 stars; one submission).

Conditions:
Inborn genetic diseases. Identifiers: MedGen C0950123, MeSH D030342.

Allele frequency attached by ClinVar (database versions not stated): gnomAD exomes below 0.00001; ExAC 0.00001.
gnomAD v4.1: 1 of 1,607,206 alleles (0.000062%); highest among the groups gnomAD compares: Non-Finnish European, 0.000085%; no homozygotes.

Submission:

Ambry Genetics
Classification: Uncertain significance for Inborn genetic diseases. Last evaluated: 2021-06-23. Review status: criteria provided, single submitter. Criteria: Ambry Variant Classification Scheme 2023. Collection method: clinical testing. Allele origin: germline.
Comment: The p.R931K variant (also known as c.2792G>A), located in coding exon 21 of the LRRK2 gene, results from a G to A substitution at nucleotide position 2792. The arginine at codon 931 is replaced by lysine, an amino acid with highly similar properties. This amino acid position is conserved. In addition, the in silico prediction for this alteration is inconclusive. Since supporting evidence is limited at this time, the clinical significance of this alteration remains unclear.